The following is an entry in ClinVar:

NM_020937.4(FANCM):c.173T>C (p.Leu58Pro)

Gene: FANCM (FA complementation group M; plus strand). Cytogenetic location: 14q21.2.
Variant type: single nucleotide variant.
Coding change: c.173T>C on transcript NM_020937.4 (MANE Select); coding-DNA position 173, T replaced by C.
Protein change: p.Leu58Pro; replaces leucine 58 with proline.
Molecular consequence: missense variant.
Genome position (GRCh38, 1-based): chr14:45,136,204, T>C. VCF-style: chr14-45136204-T-C. GRCh37 (hg19) VCF-style: chr14-45605407-T-C.
Other names: c.173T>C, p.Leu58Pro (NM_001308133.2, NM_001308134.2); short protein forms L58P.
Identifiers: ClinVar variation 4871199 (VCV004871199.1).

ClinVar aggregate classification (germline): Uncertain significance (1 of 4 stars; one submission).

Conditions:
Inborn genetic diseases. Identifiers: MedGen C0950123, MeSH D030342.

gnomAD v4.1: 1 of 1,614,162 alleles (0.000062%); no homozygotes.

Submission:

Ambry Genetics
Classification: Uncertain significance for Inborn genetic diseases. Last evaluated: 2026-06-14. Review status: criteria provided, single submitter. Criteria: Ambry Variant Classification Scheme 2023. Collection method: clinical testing. Allele origin: germline.
Comment: The p.L58P variant (also known as c.173T>C), located in coding exon 1 of the FANCM gene, results from a T to C substitution at nucleotide position 173. The leucine at codon 58 is replaced by proline, an amino acid with similar properties. This amino acid position is conserved. In addition, the in silico prediction for this alteration is inconclusive. Based on the available evidence, the clinical significance of this variant remains unclear.